The following is an entry in ClinVar:

ClinVar aggregate classification (germline): Pathogenic/Likely pathogenic. Review status: criteria provided, multiple submitters, no conflicts (2 of 4 stars). 3 submissions from 3 submitters: Pathogenic (2); Likely pathogenic (1). Last evaluated 2024-09-24.

Conditions:
PALB2-related disorder. Also called: PALB2-related condition; PALB2-related disorders.
Familial cancer of breast. Also called: hereditary breast carcinoma; BREAST CANCER, FAMILIAL; Hereditary breast cancer. Identifiers: Orphanet 227535, MedGen C0346153, MONDO:0016419, OMIM 114480. Disease mechanism: loss of function.

Submissions (3):

Myriad Genetics, Inc.
Classification: Pathogenic for Familial cancer of breast. Last evaluated: 2024-09-24. Review status: criteria provided, single submitter. Criteria: Myriad Autosomal Dominant, Autosomal Recessive and X-Linked Classification Criteria (2023). Collection method: clinical testing. Allele origin: unknown.
Comment: This variant is considered pathogenic. This variant creates a frameshift predicted to result in premature protein truncation.

Blueprint Genetics
Classification: Likely pathogenic for PALB2-related disorders. Last evaluated: 2023-06-05. Review status: criteria provided, single submitter. Criteria: ACMG Guidelines, 2015. Collection method: clinical testing. Allele origin: germline. Affected: yes. Observed: 5 variant alleles.

Labcorp Genetics (formerly Invitae), Labcorp
Classification: Pathogenic for Familial cancer of breast. Last evaluated: 2018-04-09. Review status: criteria provided, single submitter. Criteria: Invitae Variant Classification Sherloc (09022015). Collection method: clinical testing. Allele origin: germline.
Comment: This sequence change creates a premature translational stop signal (p.Pro405Serfs*7) in the PALB2 gene. It is expected to result in an absent or disrupted protein product. This variant is not present in population databases (ExAC no frequency). This variant has not been reported in the literature in individuals with PALB2-related disease. Loss-of-function variants in PALB2 are known to be pathogenic (PMID: 17200668, 24136930, 25099575). For these reasons, this variant has been classified as Pathogenic.

Literature cited by the submitters: PubMed 17200668 (cited by Labcorp Genetics (formerly Invitae), Labcorp); PubMed 24136930 (cited by Labcorp Genetics (formerly Invitae), Labcorp); PubMed 25099575 (cited by Labcorp Genetics (formerly Invitae), Labcorp).

NM_024675.4(PALB2):c.1212dup (p.Pro405fs)

Gene: PALB2 (partner and localizer of BRCA2; minus strand). Cytogenetic location: 16p12.2.
Variant type: Duplication.
Coding change: c.1212dup on transcript NM_024675.4 (MANE Select); coding-DNA position 1212, one base duplicated (T; older notation c.1212dupT).
Protein change: p.Pro405fs; shifts the reading frame from proline 405.
Molecular consequence: frameshift variant.
Genome position (GRCh38, 1-based): chr16:23,635,334, A duplicated on the plus strand (T on the coding strand, the reverse complement: PALB2 is on the minus strand); the first of 3 consecutive A bases (chr16:23,635,334-23,635,336); duplicating any one gives the same sequence. VCF-style (leftmost placement, unchanged base first): chr16-23635333-G-GA. GRCh37 (hg19) VCF-style: chr16-23646654-G-GA.
Other names: c.1212dupT (NM_024675.3); short protein forms P405fs.
Identifiers: ClinVar variation 578803 (VCV000578803.9), dbSNP rs1567221328, ClinGen allele CA891844524.